The following is an entry in ClinVar:

ClinVar aggregate classification (germline): Pathogenic (1 of 4 stars; one submission).

Submission:

Illumina Laboratory Services, Illumina
Classification: Pathogenic. Last evaluated: 2021-09-10. Review status: criteria provided, single submitter. Criteria: ICSL CNVClassificationCriteria Aug2020. Collection method: clinical testing. Allele origin: unknown.
Comment: This CNV is a 3.3 Mb deletion of 1p36.33-p36.32 on chromosome 1, (seq[GRCh37]del(1)(p36.33-p36.32); chr1:g.753552_4034574del), which encompasses 74 protein-coding genes. The distal breakpoint of this CNV could not be clearly resolved; thus this event may be larger and could represent a terminal deletion. This CNV is of unknown inheritance and overlaps the well-described 1p36 deletion syndrome, including defined critical regions (Jordan et al. 2015). Similar deletions have been described in individuals with features consistent with this disorder (Heilstedt et al. 2003; Jordan et al. 2015) and have not been reported in controls. Based on the collective evidence, this CNV is classified as pathogenic.

Literature cited by the submitters: PubMed 12687501; PubMed 26345236.

GRCh37/hg19 1p36.33-36.32(chr1:753552-4034574)x1

Genes: SSU72 (SSU72 homolog, RNA polymerase II CTD phosphatase; minus strand), TAS1R3 (taste 1 receptor member 3; plus strand), TMEM240 (transmembrane protein 240; minus strand), TMEM278 (transmembrane protein 278; plus strand), TNFRSF14 (TNF receptor superfamily member 14; plus strand) and 73 more. Cytogenetic location: 1p36.33-36.32.
Variant type: copy number loss.
Change: copy number 1 (one copy instead of two) of chr1:753,552-4,034,574 (3.28 Mb, GRCh37 coordinates, 1-based), cytogenetic band 1p36.33-36.32.
Identifiers: ClinVar variation 1328099 (VCV001328099.4).